The following is an entry in ClinVar:

ClinVar aggregate classification (germline): Pathogenic/Likely pathogenic. Review status: criteria provided, multiple submitters, no conflicts (2 of 4 stars). 3 submissions from 3 submitters: Pathogenic (1); Likely pathogenic (2). Last evaluated 2025-07-16.

Conditions:
Cystic fibrosis (CF). Also called: MUCOVISCIDOSIS. Identifiers: Orphanet 586, MedGen C0010674, MONDO:0009061, OMIM 219700. Disease mechanism: loss of function.
Bronchiectasis with or without elevated sweat chloride 1 (BESC1). Also called: Cystic Fibrosis-Like Syndrome. Identifiers: Orphanet 60033, MedGen C2749757, MONDO:0008887, OMIM 211400.
CFTR-related disorder (CFTR-RD). Also called: CFTR-related disorders; CFTR-related condition. Identifiers: MedGen C5924204, MONDO:7770004.

Submissions (3):

Ambry Genetics
Classification: Pathogenic for Cystic fibrosis. Last evaluated: 2025-07-16. Review status: criteria provided, single submitter. Criteria: Ambry Variant Classification Scheme 2023. Collection method: clinical testing. Allele origin: germline.
Comment: The c.850delA pathogenic mutation, located in coding exon 7 of the CFTR gene, results from a deletion of one nucleotide at nucleotide position 850, causing a translational frameshift with a predicted alternate stop codon (p.M284*). This variant is considered to be rare based on population cohorts in the Genome Aggregation Database (gnomAD). This alteration is expected to result in loss of function by premature protein truncation or nonsense-mediated mRNA decay. As such, this alteration is interpreted as a disease-causing mutation.

Natera, Inc.
Classification: Likely pathogenic for CFTR-related disorders. Last evaluated: 2024-06-26. Review status: criteria provided, single submitter. Criteria: Natera Variant Classification Schema (03/2026). Collection method: clinical testing. Allele origin: germline.
Comment: The c.850delA variant in CFTR is a frameshift variant predicted to shift the reading frame and introduce a stop codon. This variant is expected to result in nonsense mediated decay, truncation, or a dysfunctional protein product. This variant is rare in the general population with a frequency below the threshold expected for the associated phenotype(s). Given the available evidence, this variant is classified as Likely Pathogenic.

Baylor Genetics
Classification: Likely pathogenic for Bronchiectasis with or without elevated sweat chloride 1. Last evaluated: 2023-08-03. Review status: criteria provided, single submitter. Criteria: ACMG Guidelines, 2015. Collection method: clinical testing. Allele origin: unknown.

NM_000492.4(CFTR):c.850del (p.Lys283_Met284insTer)

Gene: CFTR (CF transmembrane conductance regulator; plus strand). Cytogenetic location: 7q31.2.
Variant type: Deletion.
Coding change: c.850del on transcript NM_000492.4 (MANE Select); coding-DNA position 850, one base deleted (A; older notation c.850delA).
Protein change: p.Lys283_Met284insTer.
Molecular consequence: nonsense.
Genome position (GRCh38, 1-based): chr7:117,536,654, A deleted; the last of 6 consecutive A bases (chr7:117,536,649-117,536,654); deleting any one gives the same sequence. VCF-style (leftmost placement, unchanged base first): chr7-117536648-GA-G. GRCh37 (hg19) VCF-style: chr7-117176702-GA-G.
Identifiers: ClinVar variation 2680699 (VCV002680699.3), dbSNP rs786204693, ClinGen allele CA577214276.
Genomic context (GRCh38, chr7:117,536,648, plus strand): 5'-ACCTCAGAAATGATTGAAAATATCCAATCTGTTAAGGCATACTGCTGGGAAGAAGCAATG[GA>G]AAAAATGATTGAAAACTTAAGACAGTAAGTTGTTCCAATAATTTCAATATTGTTAGTAAT-3'